The following is an entry in ClinVar:

ClinVar aggregate classification (germline): Uncertain significance (1 of 4 stars; one submission).

gnomAD v4.1: 1 of 1,611,802 alleles (0.000062%); no homozygotes.

Submission:

Labcorp Genetics (formerly Invitae), Labcorp
Classification: Uncertain significance. Last evaluated: 2022-03-14. Review status: criteria provided, single submitter. Criteria: Invitae Variant Classification Sherloc (09022015). Collection method: clinical testing. Allele origin: germline.
Comment: Algorithms developed to predict the effect of missense changes on protein structure and function (SIFT, PolyPhen-2, Align-GVGD) all suggest that this variant is likely to be tolerated. In summary, the available evidence is currently insufficient to determine the role of this variant in disease. Therefore, it has been classified as a Variant of Uncertain Significance. This variant is not present in population databases (gnomAD no frequency). This variant has not been reported in the literature in individuals affected with ORC4-related conditions. This sequence change replaces leucine, which is neutral and non-polar, with phenylalanine, which is neutral and non-polar, at codon 56 of the ORC4 protein (p.Leu56Phe).

NM_181741.4(ORC4):c.166C>T (p.Leu56Phe)

Gene: ORC4 (origin recognition complex subunit 4; minus strand). Cytogenetic location: 2q23.1.
Variant type: single nucleotide variant.
Coding change: c.166C>T on transcript NM_181741.4 (MANE Select); coding-DNA position 166, C replaced by T.
Protein change: p.Leu56Phe; replaces leucine 56 with phenylalanine.
Molecular consequence: missense variant. On other transcripts: 5 prime UTR variant (2), intron variant (1).
Genome position (GRCh38, 1-based): chr2:147,972,798, G>A on the plus strand (C>T on the coding strand, the complement: ORC4 is on the minus strand). VCF-style: chr2-147972798-G-A. GRCh37 (hg19) VCF-style: chr2-148730367-G-A.
Other names: c.166C>T, p.Leu56Phe (NM_001190879.3, NM_001374270.1, NM_002552.5 and 1 more transcripts); c.-57C>T (NM_001190882.3); c.-152C>T (NM_001374272.1); c.-27-13932C>T (NM_001190881.3); short protein forms L56F.
Identifiers: ClinVar variation 2111614 (VCV002111614.4), dbSNP rs2307397, ClinGen allele CA348715846.